The following is an entry in ClinVar:

ClinVar aggregate classification (germline): Benign/Likely benign. Review status: criteria provided, multiple submitters, no conflicts (2 of 4 stars). 5 submissions from 5 submitters: Benign (3); Likely benign (2). Last evaluated 2026-01-30.

Conditions:
Inborn genetic diseases. Identifiers: MedGen C0950123, MeSH D030342.
Progressive microcephaly-seizures-cortical blindness-developmental delay syndrome. Also called: Seizures, cortical blindness, and microcephaly syndrome. Identifiers: Orphanet 477814, MedGen C5567650, MONDO:0014714, OMIM 616632.
Autosomal dominant nonsyndromic hearing loss 1. Also called: KONIGSMARK SYNDROME; DEAFNESS, AUTOSOMAL DOMINANT 1, WITH OR WITHOUT THROMBOCYTOPENIA. Identifiers: Orphanet 90635, MedGen C1852282, MONDO:0007424, OMIM 124900.

Submissions (5):

Labcorp Genetics (formerly Invitae), Labcorp
Classification: Benign for Progressive microcephaly-seizures-cortical blindness-developmental delay syndrome; Autosomal dominant nonsyndromic hearing loss 1. Last evaluated: 2026-01-30. Review status: criteria provided, single submitter. Criteria: Invitae Variant Classification Sherloc (09022015). Collection method: clinical testing. Allele origin: germline.

Mayo Clinic Laboratories, Mayo Clinic
Classification: Benign. Last evaluated: 2023-12-06. Review status: criteria provided, single submitter. Criteria: ACMG Guidelines, 2015. Collection method: clinical testing. Allele origin: germline. Observed: 9 variant alleles.
Comment: BS1, BS2

CeGaT Center for Human Genetics Tuebingen
Classification: Likely benign. Last evaluated: 2022-07-01. Review status: criteria provided, single submitter. Criteria: CeGaT Center For Human Genetics Tuebingen Variant Classification Criteria Version 2. Collection method: clinical testing. Allele origin: germline. Affected: yes. Observed: 1 variant allele.
Comment: DIAPH1: BS2

Ambry Genetics
Classification: Likely benign for Inborn genetic diseases. Last evaluated: 2022-06-03. Review status: criteria provided, single submitter. Criteria: Ambry Variant Classification Scheme 2023. Collection method: clinical testing. Allele origin: germline.

GeneDx
Classification: Benign. Last evaluated: 2021-04-15. Review status: criteria provided, single submitter. Criteria: GeneDx Variant Classification Process June 2021. Collection method: clinical testing. Allele origin: germline. Affected: yes.

NM_005219.5(DIAPH1):c.1821TCC[16] (p.Pro616_Pro620dup)

Gene: DIAPH1 (diaphanous related formin 1; minus strand). Cytogenetic location: 5q31.3.
Variant type: Microsatellite.
Coding change: c.1821TCC[16] on transcript NM_005219.5 (MANE Select); 16 copies in a row of the 3-base unit TCC starting at c.1821; the reference has 11 copies in a row; five copies, 15 bases duplicated; also written c.1839_1853dup.
Protein change: p.Pro616_Pro620dup.
Molecular consequence: inframe insertion.
Genome position (GRCh38, 1-based): chr5:141,573,997-141,574,011, GGAGGAGGAGGAGGA duplicated on the plus strand (TCCTCCTCCTCCTCC on the coding strand, the reverse complement: DIAPH1 is on the minus strand); duplicating any 15 consecutive bases within chr5:141,573,997-141,574,030 gives the same sequence; the position shown is the placement nearest the transcript's 3' end. VCF-style (leftmost placement, unchanged base first): chr5-141573996-T-TGGAGGAGGAGGAGGA. GRCh37 (hg19) VCF-style: chr5-140953563-T-TGGAGGAGGAGGAGGA.
Other names: p.Pro616_Pro620dup; c.1839_1853dup (NM_005219.5); c.1794TCC[16], p.Pro607_Pro611dup (NM_001079812.3); c.1821TCC[16], p.Pro616_Pro620dup (NM_001314007.2).
Identifiers: ClinVar variation 568618 (VCV000568618.40), dbSNP rs3075570, ClinGen allele CA563502798.
Genomic context (GRCh38, chr5:141,573,996, plus strand): 5'-AGCAGTACCTCCAGGTAAAGAAGGGGGTGAGGAGATGCAAACACCCCCAGGCAAAGGAGG[T>TGGAGGAGGAGGAGGA]GGAGGAGGAGGAGGAGGAGGAGGAGGAGGAGGAGTGGTACTATCCCCAGGAGCAGGTGGT-3'